The following is an entry in ClinVar:

NM_006361.6(HOXB13):c.546G>A (p.Met182Ile)

Gene: HOXB13 (homeobox B13; minus strand). Cytogenetic location: 17q21.32.
Variant type: single nucleotide variant.
Coding change: c.546G>A on transcript NM_006361.6 (MANE Select); coding-DNA position 546, G replaced by A.
Protein change: p.Met182Ile; replaces methionine 182 with isoleucine.
Molecular consequence: missense variant.
Genome position (GRCh38, 1-based): chr17:48,728,048, C>T on the plus strand (G>A on the coding strand, the complement: HOXB13 is on the minus strand). VCF-style: chr17-48728048-C-T. GRCh37 (hg19) VCF-style: chr17-46805410-C-T.
Other names: short protein forms M182I.
Identifiers: ClinVar variation 964054 (VCV000964054.8), dbSNP rs748353425, ClinGen allele CA8633970.

ClinVar aggregate classification (germline): Uncertain significance. Review status: criteria provided, multiple submitters, no conflicts (2 of 4 stars). 2 submissions from 2 submitters: Uncertain significance (2). Last evaluated 2025-01-03.

Conditions:
Hereditary cancer-predisposing syndrome. Also called: Tumor predisposition; Hereditary neoplastic syndrome; Hereditary Cancer Syndrome; Neoplastic Syndromes, Hereditary. Identifiers: Orphanet 140162, MedGen C0027672, MeSH D009386, MONDO:0015356.

Allele frequency attached by ClinVar (database versions not stated): gnomAD exomes below 0.00001; ExAC 0.00001.

Submissions (2):

Ambry Genetics
Classification: Uncertain significance for Hereditary cancer-predisposing syndrome. Last evaluated: 2025-01-03. Review status: criteria provided, single submitter. Criteria: Ambry Variant Classification Scheme 2023. Collection method: clinical testing. Allele origin: germline.
Comment: The p.M182I variant (also known as c.546G>A), located in coding exon 1 of the HOXB13 gene, results from a G to A substitution at nucleotide position 546. The methionine at codon 182 is replaced by isoleucine, an amino acid with highly similar properties. This amino acid position is well conserved in available vertebrate species. In addition, the in silico prediction for this alteration is inconclusive. Based on the available evidence, the clinical significance of this variant remains unclear.

Labcorp Genetics (formerly Invitae), Labcorp
Classification: Uncertain significance. Last evaluated: 2021-09-01. Review status: criteria provided, single submitter. Criteria: Invitae Variant Classification Sherloc (09022015). Collection method: clinical testing. Allele origin: germline.
Comment: This sequence change replaces methionine with isoleucine at codon 182 of the HOXB13 protein (p.Met182Ile). The methionine residue is moderately conserved and there is a small physicochemical difference between methionine and isoleucine. This variant is present in population databases (rs748353425, ExAC 0.001%). This variant has not been reported in the literature in individuals affected with HOXB13-related conditions. Algorithms developed to predict the effect of missense changes on protein structure and function (SIFT, PolyPhen-2, Align-GVGD) all suggest that this variant is likely to be tolerated. In summary, the available evidence is currently insufficient to determine the role of this variant in disease. Therefore, it has been classified as a Variant of Uncertain Significance.